The following is an entry in ClinVar:

NM_001376.5(DYNC1H1):c.12908A>G (p.Glu4303Gly)

Gene: DYNC1H1 (dynein cytoplasmic 1 heavy chain 1; plus strand). Cytogenetic location: 14q32.31.
Variant type: single nucleotide variant.
Coding change: c.12908A>G on transcript NM_001376.5 (MANE Select); coding-DNA position 12908, A replaced by G.
Protein change: p.Glu4303Gly; replaces glutamic acid 4303 with glycine.
Molecular consequence: missense variant.
Genome position (GRCh38, 1-based): chr14:102,044,600, A>G. VCF-style: chr14-102044600-A-G. GRCh37 (hg19) VCF-style: chr14-102510937-A-G.
Other names: short protein forms E4303G.
Identifiers: ClinVar variation 2761348 (VCV002761348.3), dbSNP rs2503868333, ClinGen allele CA391044412.
Genomic context (GRCh38, chr14:102,044,600, plus strand): 5'-TGGTGTCACTCAGAGGTGACCCCTGACATCATTTCCAAATGCACTGGTTTTCTAGGCGAG[A>G]GGAGTTTGTGCAGTGGGTGGAGTTGCTCCCCGACACCCAGACGCCCTCCTGGCTGGGCCT-3'
Protein context (NP_001367.2, residues 4293-4313): DIQMPDGIRR[Glu4303Gly]EFVQWVELLP

ClinVar aggregate classification (germline): Uncertain significance (1 of 4 stars; one submission).

Conditions:
Charcot-Marie-Tooth disease axonal type 2O. Also called: CHARCOT-MARIE-TOOTH NEUROPATHY, AXONAL, TYPE 2O; CHARCOT-MARIE-TOOTH DISEASE, AXONAL, AUTOSOMAL DOMINANT, TYPE 2O; Charcot-Marie-Tooth Neuropathy Type 2O; Charcot-Marie-Tooth disease, axonal, type 20. Identifiers: Orphanet 284232, MedGen C3280220, MONDO:0013644, OMIM 614228.

Submission:

Labcorp Genetics (formerly Invitae), Labcorp
Classification: Uncertain significance for Charcot-Marie-Tooth disease axonal type 2O. Last evaluated: 2023-09-17. Review status: criteria provided, single submitter. Criteria: Invitae Variant Classification Sherloc (09022015). Collection method: clinical testing. Allele origin: germline.
Comment: In summary, the available evidence is currently insufficient to determine the role of this variant in disease. Therefore, it has been classified as a Variant of Uncertain Significance. Advanced modeling of protein sequence and biophysical properties (such as structural, functional, and spatial information, amino acid conservation, physicochemical variation, residue mobility, and thermodynamic stability) performed at Invitae indicates that this missense variant is not expected to disrupt DYNC1H1 protein function. This variant has not been reported in the literature in individuals affected with DYNC1H1-related conditions. This variant is not present in population databases (gnomAD no frequency). This sequence change replaces glutamic acid, which is acidic and polar, with glycine, which is neutral and non-polar, at codon 4303 of the DYNC1H1 protein (p.Glu4303Gly).